The following is an entry in ClinVar:

ClinVar aggregate classification (germline): Pathogenic (1 of 4 stars; one submission).

Conditions:
Predisposition to invasive fungal disease due to CARD9 deficiency (IMD103). Also called: IMMUNODEFICIENCY 103, SUSCEPTIBILITY TO FUNGAL INFECTIONS; Candidiasis, familial, 2, autosomal recessive; CARD9 IMMUNODEFICIENCY. Identifiers: Orphanet 457088, MedGen C1859353, MONDO:0008905, OMIM 212050.

Submission:

Labcorp Genetics (formerly Invitae), Labcorp
Classification: Pathogenic for Predisposition to invasive fungal disease due to CARD9 deficiency. Last evaluated: 2022-02-22. Review status: criteria provided, single submitter. Criteria: Invitae Variant Classification Sherloc (09022015). Collection method: clinical testing. Allele origin: germline.
Comment: For these reasons, this variant has been classified as Pathogenic. This variant has not been reported in the literature in individuals affected with CARD9-related conditions. This variant is not present in population databases (gnomAD no frequency). This sequence change creates a premature translational stop signal (p.Gln192Argfs*27) in the CARD9 gene. It is expected to result in an absent or disrupted protein product. Loss-of-function variants in CARD9 are known to be pathogenic (PMID: 19864672, 24131138, 24231284).

Literature cited by the submitters: PubMed 19864672; PubMed 24131138; PubMed 24231284.

NM_052813.5(CARD9):c.575del (p.Gln192fs)

Gene: CARD9 (caspase recruitment domain family member 9; minus strand). Cytogenetic location: 9q34.3.
Variant type: Deletion.
Coding change: c.575del on transcript NM_052813.5 (MANE Select); coding-DNA position 575, one base deleted (A; older notation c.575delA).
Protein change: p.Gln192fs; shifts the reading frame from glutamine 192.
Molecular consequence: frameshift variant.
Genome position (GRCh38, 1-based): chr9:136,370,893, T deleted on the plus strand (A on the coding strand, the reverse complement: CARD9 is on the minus strand). VCF-style (leftmost placement, unchanged base first): chr9-136370892-CT-C. GRCh37 (hg19) VCF-style: chr9-139265344-CT-C.
Other names: c.575del, p.Gln192fs (NM_052814.4); short protein forms Q192fs.
Identifiers: ClinVar variation 2101675 (VCV002101675.4), dbSNP rs2538669014, ClinGen allele CA2580080886.